The following is an entry in ClinVar:

NM_007194.4(CHEK2):c.278G>A (p.Trp93Ter)

Gene: CHEK2 (checkpoint kinase 2; minus strand). Cytogenetic location: 22q12.1.
Variant type: single nucleotide variant.
Coding change: c.278G>A on transcript NM_007194.4 (MANE Select); coding-DNA position 278, G replaced by A.
Protein change: p.Trp93Ter; replaces tryptophan 93 with a stop codon.
Molecular consequence: nonsense.
Genome position (GRCh38, 1-based): chr22:28,734,444, C>T on the plus strand (G>A on the coding strand, the complement: CHEK2 is on the minus strand). VCF-style: chr22-28734444-C-T. GRCh37 (hg19) VCF-style: chr22-29130432-C-T.
Other names: c.278G>A, p.Trp93Ter (NM_001005735.3, NM_001349956.3, NM_145862.3); c.-500G>A (NM_001257387.3); short protein forms W93*.
Identifiers: ClinVar variation 187643 (VCV000187643.19), dbSNP rs786203889, ClinGen allele CA198177.

ClinVar aggregate classification (germline): Pathogenic. Review status: criteria provided, multiple submitters, no conflicts (2 of 4 stars). 4 submissions from 4 submitters: Pathogenic (4). Last evaluated 2023-12-15.

Conditions:
Hereditary cancer-predisposing syndrome. Also called: Neoplastic Syndromes, Hereditary; Tumor predisposition; Hereditary Cancer Syndrome; Hereditary neoplastic syndrome. Identifiers: Orphanet 140162, MedGen C0027672, MeSH D009386, MONDO:0015356.
CHEK2-related cancer predisposition (TPDS4). Also called: CHEK2-related cancer susceptibility; TUMOR PREDISPOSITION SYNDROME 4; CANCER PREDISPOSITION SYNDROME, CHEK2-RELATED. Identifiers: Orphanet 524, MedGen C5882668, MONDO:0700271, OMIM 609265.
Familial cancer of breast. Also called: BREAST CANCER, FAMILIAL; Hereditary breast cancer; hereditary breast carcinoma. Identifiers: Orphanet 227535, MedGen C0346153, MONDO:0016419, OMIM 114480. Disease mechanism: loss of function.

Submissions (4):

Labcorp Genetics (formerly Invitae), Labcorp
Classification: Pathogenic for Familial cancer of breast. Last evaluated: 2023-12-15. Review status: criteria provided, single submitter. Criteria: Invitae Variant Classification Sherloc (09022015). Collection method: clinical testing. Allele origin: germline.
Comment: This sequence change creates a premature translational stop signal (p.Trp93*) in the CHEK2 gene. It is expected to result in an absent or disrupted protein product. Loss-of-function variants in CHEK2 are known to be pathogenic (PMID: 21876083, 24713400). This variant is not present in population databases (gnomAD no frequency). This premature translational stop signal has been observed in individual(s) with breast cancer (PMID: 27878467). ClinVar contains an entry for this variant (Variation ID: 187643). For these reasons, this variant has been classified as Pathogenic.

Ambry Genetics
Classification: Pathogenic for Hereditary cancer-predisposing syndrome. Last evaluated: 2023-07-31. Review status: criteria provided, single submitter. Criteria: Ambry Variant Classification Scheme 2023. Collection method: clinical testing. Allele origin: germline.
Comment: The p.W93* pathogenic mutation (also known as c.278G>A), located in coding exon 1 of the CHEK2 gene, results from a G to A substitution at nucleotide position 278. This changes the amino acid from a tryptophan to a stop codon within coding exon 1. This alteration is expected to result in loss of function by premature protein truncation or nonsense-mediated mRNA decay. As such, this alteration is interpreted as a disease-causing mutation.

Myriad Genetics, Inc.
Classification: Pathogenic for Familial cancer of breast. Last evaluated: 2023-06-23. Review status: criteria provided, single submitter. Criteria: Myriad Autosomal Dominant, Autosomal Recessive and X-Linked Classification Criteria (2023). Collection method: clinical testing. Allele origin: unknown.
Comment: This variant is considered pathogenic. This variant creates a termination codon and is predicted to result in premature protein truncation.

Department of Pathology and Laboratory Medicine, Sinai Health System
Classification: Pathogenic for CHEK2-related cancer predisposition. Last evaluated: 2022-06-27. Review status: criteria provided, single submitter. Criteria: ACMG Guidelines, 2015. Collection method: clinical testing. Allele origin: germline. Affected: yes.

Literature cited by the submitters: PubMed 21876083 (cited by Labcorp Genetics (formerly Invitae), Labcorp); PubMed 24713400 (cited by Labcorp Genetics (formerly Invitae), Labcorp); PubMed 27878467 (cited by 3 submitters).